The following is an entry in ClinVar:

ClinVar aggregate classification (germline): Uncertain significance (1 of 4 stars; one submission).

Allele frequency attached by ClinVar (database versions not stated): gnomAD exomes 0.00001; gnomAD 0.00002 and 0.00003; TOPMed 0.00002; 1000 Genomes Project 30x 0.00016; 1000 Genomes Project 0.00020.
gnomAD v4.1: 7 of 1,566,230 alleles (0.00045%); highest among the groups gnomAD compares: African/African-American, 0.0041%; no homozygotes.

Submission:

GeneDx
Classification: Uncertain significance. Last evaluated: 2020-01-13. Review status: criteria provided, single submitter. Criteria: GeneDx Variant Classification Process June 2021. Collection method: clinical testing. Allele origin: germline. Affected: yes.
Comment: In silico analysis, which includes protein predictors and evolutionary conservation, supports a deleterious effect; This variant is associated with the following publications: (PMID: 17967799)

NM_000041.4(APOE):c.394C>T (p.Arg132Cys)

Gene: APOE (apolipoprotein E; plus strand). Cytogenetic location: 19q13.32.
Variant type: single nucleotide variant.
Coding change: c.394C>T on transcript NM_000041.4 (MANE Select); coding-DNA position 394, C replaced by T.
Protein change: p.Arg132Cys; replaces arginine 132 with cysteine.
Molecular consequence: missense variant.
Genome position (GRCh38, 1-based): chr19:44,908,690, C>T. VCF-style: chr19-44908690-C-T. GRCh37 (hg19) VCF-style: chr19-45411947-C-T.
Other names: c.472C>T, p.Arg158Cys (NM_001302688.2); c.394C>T, p.Arg132Cys (NM_001302689.2, NM_001302690.2, NM_001302691.2); short protein forms R132C, R158C.
Identifiers: ClinVar variation 1317910 (VCV001317910.2), dbSNP rs11542041, ClinGen allele CA9506055.